The following is an entry in ClinVar:

NM_024057.4(NUP37):c.679G>A (p.Val227Ile)

Gene: NUP37 (nucleoporin 37; minus strand). Cytogenetic location: 12q23.2.
Variant type: single nucleotide variant.
Coding change: c.679G>A on transcript NM_024057.4 (MANE Select); coding-DNA position 679, G replaced by A.
Protein change: p.Val227Ile; replaces valine 227 with isoleucine.
Molecular consequence: missense variant.
Genome position (GRCh38, 1-based): chr12:102,077,365, C>T on the plus strand (G>A on the coding strand, the complement: NUP37 is on the minus strand). VCF-style: chr12-102077365-C-T. GRCh37 (hg19) VCF-style: chr12-102471143-C-T.
Other names: short protein forms V227I.
Identifiers: ClinVar variation 3034765 (VCV003034765.3), dbSNP rs555014325, ClinGen allele CA6747614.
Genomic context (GRCh38, chr12:102,077,365, plus strand): 5'-ACATATCAAGAAAGTACCTGGACCGAGTAATATCCCAAATTAACCAATCATTTCCTGCAA[C>T]GGCTCCAACTTTGAAGGTGTTTTTTAAGCACCAGTGTGCTGACATTAATGGCACTTGTTC-3'
Protein context (NP_076962.2, residues 217-237): CLKNTFKVGA[Val227Ile]AGNDWLIWDI

ClinVar aggregate classification (germline): Benign. Review status: criteria provided, single submitter (1 of 4 stars). 2 submissions from 2 submitters: Benign (1). 1 of the submissions does not count toward it. Last evaluated 2020-05-11.

Conditions:
NUP37-related disorder. Also called: NUP37-related condition.
Microcephaly 24, primary, autosomal recessive. Identifiers: MedGen C4748555, MONDO:0032583, OMIM 618179.

Allele frequency attached by ClinVar (database versions not stated): TOPMed 0.00010; gnomAD 0.00027; gnomAD exomes 0.00056; ExAC 0.00119; 1000 Genomes Project 0.00180; 1000 Genomes Project 30x 0.00187.
gnomAD v4.1: 867 of 1,614,102 alleles (0.054%); highest among the groups gnomAD compares: South Asian, 0.79%; 11 homozygotes.

Submissions (2):

Department of Pathology and Laboratory Medicine, Sinai Health System
Classification: Benign for Microcephaly 24, primary, autosomal recessive. Last evaluated: 2020-05-11. Review status: criteria provided, single submitter. Criteria: ACMG Guidelines, 2015. Collection method: research. Allele origin: germline.

PreventionGenetics, part of Exact Sciences
Classification: Likely benign for NUP37-related condition. Last evaluated: 2019-04-18. Review status: no assertion criteria provided. Collection method: clinical testing. Allele origin: germline. Not counted in ClinVar's aggregate classification.
Comment: This variant is classified as likely benign based on ACMG/AMP sequence variant interpretation guidelines (Richards et al. 2015 PMID: 25741868, with internal and published modifications).